The following is an entry in ClinVar:

NM_004448.4(ERBB2):c.562C>T (p.Arg188Cys)

Gene: ERBB2 (erb-b2 receptor tyrosine kinase 2; plus strand). Cytogenetic location: 17q12.
Variant type: single nucleotide variant.
Coding change: c.562C>T on transcript NM_004448.4 (MANE Select); coding-DNA position 562, C replaced by T.
Protein change: p.Arg188Cys; replaces arginine 188 with cysteine.
Molecular consequence: missense variant. On other transcripts: non-coding transcript variant (1), intron variant (2).
Genome position (GRCh38, 1-based): chr17:39,709,440, C>T. VCF-style: chr17-39709440-C-T. GRCh37 (hg19) VCF-style: chr17-37865693-C-T.
Other names: c.472C>T, p.Arg158Cys (NM_001005862.3, NM_001289938.2, NM_001382782.1 and 1 more transcripts); c.517C>T, p.Arg173Cys (NM_001289936.2); c.562C>T, p.Arg188Cys (NM_001289937.2, NM_001382784.1, NM_001382785.1 and 17 more transcripts); c.637C>T, p.Arg213Cys (NM_001382787.1); c.553C>T, p.Arg185Cys (NM_001382791.1); c.440-418C>T (NM_001382799.1); c.74-2488C>T (NM_001382804.1); short protein forms R173C, R185C, R213C, R158C, R188C.
Identifiers: ClinVar variation 2169773 (VCV002169773.5), dbSNP rs765706190, ClinGen allele CA8533648.
Genomic context (GRCh38, chr17:39,709,440, plus strand): 5'-TTGTGGAAGGACATCTTCCACAAGAACAACCAGCTGGCTCTCACACTGATAGACACCAAC[C>T]GCTCTCGGGCCTGTAAGCCATGCCCCTCCCTGCTGCCTCTTCTCTCAGACAGCCTGACCC-3'
Protein context (NP_004439.2, residues 178-198): QLALTLIDTN[Arg188Cys]SRACHPCSPM

ClinVar aggregate classification (germline): Uncertain significance. Review status: criteria provided, multiple submitters, no conflicts (2 of 4 stars). 2 submissions from 2 submitters: Uncertain significance (2). Last evaluated 2025-07-14.

Conditions:
Lung cancer. Also called: Malignant tumor of lung; Lung cancer, somatic. Identifiers: MedGen C0242379, MONDO:0008903, OMIM 211980.
Glioma susceptibility 1 (GLM1). Also called: Glioblastoma, somatic. Identifiers: MedGen C2750850, MONDO:0024498, OMIM 137800.
Gastric cancer. Also called: Malignant tumor of stomach; Stomach cancer. Identifiers: MedGen C0024623, MeSH D013274, MONDO:0001056, OMIM 613659, HP:0012126.
Ovarian cancer. Also called: OVARIAN CANCER, SOMATIC. Identifiers: Orphanet 213500, MedGen C1140680, MONDO:0008170, OMIM 167000.
Visceral neuropathy, familial, 2, autosomal recessive. Identifiers: MedGen C5561950, MONDO:0030399, OMIM 619465.

Allele frequency attached by ClinVar (database versions not stated): gnomAD 0.00003; TOPMed 0.00003.
gnomAD v4.1: 30 of 1,614,046 alleles (0.0019%); highest among the groups gnomAD compares: Middle Eastern, 0.016%; no homozygotes.

Submissions (2):

Labcorp Genetics (formerly Invitae), Labcorp
Classification: Uncertain significance. Last evaluated: 2025-07-14. Review status: criteria provided, single submitter. Criteria: Invitae Variant Classification Sherloc (09022015). Collection method: clinical testing. Allele origin: germline.
Comment: This sequence change replaces arginine, which is basic and polar, with cysteine, which is neutral and slightly polar, at codon 188 of the ERBB2 protein (p.Arg188Cys). This variant is present in population databases (rs765706190, gnomAD 0.004%). This variant has not been reported in the literature in individuals affected with ERBB2-related conditions. ClinVar contains an entry for this variant (Variation ID: 2169773). Invitae Evidence Modeling of protein sequence and biophysical properties (such as structural, functional, and spatial information, amino acid conservation, physicochemical variation, residue mobility, and thermodynamic stability) indicates that this missense variant is not expected to disrupt ERBB2 protein function with a negative predictive value of 80%. Experimental studies have shown that this missense change affects ERBB2 function (PMID: 32366937). In summary, the available evidence is currently insufficient to determine the role of this variant in disease. Therefore, it has been classified as a Variant of Uncertain Significance.

Fulgent Genetics
Classification: Uncertain significance for Glioma susceptibility 1; Ovarian cancer; Lung cancer; Gastric cancer; Visceral neuropathy, familial, 2, autosomal recessive. Last evaluated: 2024-03-26. Review status: criteria provided, single submitter. Criteria: ACMG Guidelines, 2015. Collection method: clinical testing. Allele origin: germline.

Literature cited by the submitters: PubMed 32366937 (cited by Labcorp Genetics (formerly Invitae), Labcorp).